The following is an entry in ClinVar:

NM_001040424.3(PRDM15):c.1801A>G (p.Ile601Val)

Genes: PRDM15 (PR/SET domain 15; minus strand), LOC126653385 (CDK7 strongly-dependent group 2 enhancer GRCh37_chr21:43241376-43242575; plus strand). Cytogenetic location: 21q22.3.
Variant type: single nucleotide variant.
Coding change: c.1801A>G on transcript NM_001040424.3 (MANE Select); coding-DNA position 1801, A replaced by G.
Protein change: p.Ile601Val; replaces isoleucine 601 with valine.
Molecular consequence: missense variant. On other transcripts: non-coding transcript variant (4).
Genome position (GRCh38, 1-based): chr21:41,821,998, T>C on the plus strand (A>G on the coding strand, the complement: PRDM15 is on the minus strand). VCF-style: chr21-41821998-T-C. GRCh37 (hg19) VCF-style: chr21-43242354-T-C.
Other names: c.1861A>G, p.Ile621Val (NM_001282934.2); c.1999A>G, p.Ile667Val (NM_022115.7); short protein forms I621V, I601V, I667V.
Identifiers: ClinVar variation 2470342 (VCV002470342.3), dbSNP rs748263943, ClinGen allele CA321414669.

ClinVar aggregate classification (germline): Uncertain significance (1 of 4 stars; one submission).

Allele frequency attached by ClinVar (database versions not stated): TOPMed 0.00001; gnomAD exomes 0.00009; gnomAD 0.00002.
gnomAD v4.1: 127 of 1,614,082 alleles (0.0079%); highest among the groups gnomAD compares: Non-Finnish European, 0.011%; no homozygotes.

Submission:

Ambry Genetics
Classification: Uncertain significance. Last evaluated: 2026-07-31. Review status: criteria provided, single submitter. Criteria: Ambry Variant Classification Scheme 2023. Collection method: clinical testing. Allele origin: germline.
Comment: The c.2899A>G (p.I967V) alteration is located in exon 22 (coding exon 22) of the PRDM15 gene. This alteration results from a A to G substitution at nucleotide position 2899, causing the isoleucine (I) at amino acid position 967 to be replaced by a valine (V). Based on data from gnomAD, the G allele has an overall frequency of 0.001% (3/251426) total alleles studied. The highest observed frequency was 0.003% (3/113770) of European (non-Finnish) alleles. Based on insufficient or conflicting evidence, the clinical significance of this alteration remains unclear.